The following is an entry in ClinVar:

ClinVar aggregate classification (germline): Pathogenic (1 of 4 stars; one submission).

Conditions:
GNPTAB-mucolipidosis. Also called: UDP-N-acetylglucosamine-1-phosphotransferase subunit alpha/beta deficiency. Identifiers: MedGen CN322573, MONDO:0100122.

Submission:

Myriad Genetics, Inc.
Classification: Pathogenic for GNPTAB-mucolipidosis. Last evaluated: 2024-01-23. Review status: criteria provided, single submitter. Criteria: Myriad Autosomal Dominant, Autosomal Recessive and X-Linked Classification Criteria (2023). Collection method: clinical testing. Allele origin: unknown.
Comment: NM_024312.4(GNPTAB):c.2480delG(G827Afs*4) is expected to be pathogenic in the context of GNPTAB-related disorders. This variant is predicted to lead to an abnormal or absent protein product due to the creation of a premature termination codon in GNPTAB, a gene where loss-of-function variants are known to be pathogenic. Please note: this variant was assessed in the context of healthy population screening.

NM_024312.5(GNPTAB):c.2480del (p.Gly827fs)

Gene: GNPTAB (N-acetylglucosamine-1-phosphate transferase subunits alpha and beta; minus strand). Cytogenetic location: 12q23.2.
Variant type: Deletion.
Coding change: c.2480del on transcript NM_024312.5 (MANE Select); coding-DNA position 2480, one base deleted (G; older notation c.2480delG).
Protein change: p.Gly827fs; shifts the reading frame from glycine 827.
Molecular consequence: frameshift variant.
Genome position (GRCh38, 1-based): chr12:101,764,437, C deleted on the plus strand (G on the coding strand, the reverse complement: GNPTAB is on the minus strand); the first of 2 consecutive C bases (chr12:101,764,437-101,764,438); deleting either gives the same sequence. VCF-style (leftmost placement, unchanged base first): chr12-101764436-GC-G. GRCh37 (hg19) VCF-style: chr12-102158214-GC-G.
Other names: short protein forms G827fs.
Identifiers: ClinVar variation 5012675 (VCV005012675.1).